The following is an entry in ClinVar:

NM_020987.5(ANK3):c.4856C>T (p.Thr1619Met)

Gene: ANK3 (ankyrin 3; minus strand). Cytogenetic location: 10q21.2.
Variant type: single nucleotide variant.
Coding change: c.4856C>T on transcript NM_020987.5 (MANE Select); coding-DNA position 4856, C replaced by T.
Protein change: p.Thr1619Met; replaces threonine 1619 with methionine.
Molecular consequence: missense variant. On other transcripts: intron variant (4).
Genome position (GRCh38, 1-based): chr10:60,076,025, G>A on the plus strand (C>T on the coding strand, the complement: ANK3 is on the minus strand). VCF-style: chr10-60076025-G-A. GRCh37 (hg19) VCF-style: chr10-61835783-G-A.
Other names: c.4387+4512C>T (NM_001204403.2); c.4408+4512C>T (NM_001204404.2); c.4405+4512C>T (NM_001320874.2); c.1807+4512C>T (NM_001149.4); short protein forms T1619M.
Identifiers: ClinVar variation 2170920 (VCV002170920.3), dbSNP rs778232100, ClinGen allele CA5512099.

ClinVar aggregate classification (germline): Uncertain significance (1 of 4 stars; one submission).

Allele frequency attached by ClinVar (database versions not stated): gnomAD 0.00002; TOPMed 0.00002.
gnomAD v4.1: 15 of 1,614,118 alleles (0.00093%); highest among the groups gnomAD compares: Admixed American, 0.0067%; no homozygotes.

Submission:

Labcorp Genetics (formerly Invitae), Labcorp
Classification: Uncertain significance. Last evaluated: 2024-12-02. Review status: criteria provided, single submitter. Criteria: Invitae Variant Classification Sherloc (09022015). Collection method: clinical testing. Allele origin: germline.
Comment: This sequence change replaces threonine, which is neutral and polar, with methionine, which is neutral and non-polar, at codon 1619 of the ANK3 protein (p.Thr1619Met). This variant is present in population databases (rs778232100, gnomAD 0.01%). This variant has not been reported in the literature in individuals affected with ANK3-related conditions. ClinVar contains an entry for this variant (Variation ID: 2170920). Invitae Evidence Modeling of protein sequence and biophysical properties (such as structural, functional, and spatial information, amino acid conservation, physicochemical variation, residue mobility, and thermodynamic stability) indicates that this missense variant is not expected to disrupt ANK3 protein function with a negative predictive value of 80%. In summary, the available evidence is currently insufficient to determine the role of this variant in disease. Therefore, it has been classified as a Variant of Uncertain Significance.